The following is an entry in ClinVar:

NM_001371727.1(GABRB2):c.727G>A (p.Gly243Ser)

Gene: GABRB2 (gamma-aminobutyric acid type A receptor subunit beta2; minus strand). Cytogenetic location: 5q34.
Variant type: single nucleotide variant.
Coding change: c.727G>A on transcript NM_001371727.1 (MANE Select); coding-DNA position 727, G replaced by A.
Protein change: p.Gly243Ser; replaces glycine 243 with serine.
Molecular consequence: missense variant.
Genome position (GRCh38, 1-based): chr5:161,334,857, C>T on the plus strand (G>A on the coding strand, the complement: GABRB2 is on the minus strand). VCF-style: chr5-161334857-C-T. GRCh37 (hg19) VCF-style: chr5-160761864-C-T.
Other names: c.727G>A, p.Gly243Ser (NM_000813.3, NM_021911.3); short protein forms G243S.
Identifiers: ClinVar variation 2504432 (VCV002504432.1), dbSNP rs2546558259, ClinGen allele CA362171703.

ClinVar aggregate classification (germline): Uncertain significance (1 of 4 stars; one submission).

Submission:

GeneDx
Classification: Uncertain significance. Last evaluated: 2022-11-16. Review status: criteria provided, single submitter. Criteria: GeneDx Variant Classification Process June 2021. Collection method: clinical testing. Allele origin: germline. Affected: yes.
Comment: Not observed at significant frequency in large population cohorts (gnomAD); In silico analysis supports that this missense variant has a deleterious effect on protein structure/function; Has not been previously published as pathogenic or benign to our knowledge